The following is an entry in ClinVar:

ClinVar aggregate classification (germline): Uncertain significance. Review status: criteria provided, multiple submitters, no conflicts (2 of 4 stars). 3 submissions from 3 submitters: Uncertain significance (2). 1 of the submissions does not count toward it. Last evaluated 2024-12-09.

Conditions:
Inborn genetic diseases. Identifiers: MedGen C0950123, MeSH D030342.
Autosomal recessive osteopetrosis 1. Also called: ALBERS-SCHONBERG DISEASE, AUTOSOMAL RECESSIVE; TCIRG1-Related Autosomal Recessive Osteopetrosis; TCIRG1-Related Osteopetrosis. Identifiers: Orphanet 667, MedGen C1850127, MONDO:0009815, OMIM 259700.

Allele frequency attached by ClinVar (database versions not stated): gnomAD exomes 0.00001; ExAC 0.00003; TOPMed 0.00006; gnomAD 0.00007 and 0.00009.

Submissions (3):

Labcorp Genetics (formerly Invitae), Labcorp
Classification: Uncertain significance. Last evaluated: 2024-12-09. Review status: criteria provided, single submitter. Criteria: Invitae Variant Classification Sherloc (09022015). Collection method: clinical testing. Allele origin: germline.
Comment: This sequence change replaces glycine, which is neutral and non-polar, with serine, which is neutral and polar, at codon 33 of the TCIRG1 protein (p.Gly33Ser). This variant is present in population databases (rs775576535, gnomAD 0.02%). This variant has not been reported in the literature in individuals affected with TCIRG1-related conditions. ClinVar contains an entry for this variant (Variation ID: 990510). Invitae Evidence Modeling of protein sequence and biophysical properties (such as structural, functional, and spatial information, amino acid conservation, physicochemical variation, residue mobility, and thermodynamic stability) indicates that this missense variant is not expected to disrupt TCIRG1 protein function with a negative predictive value of 80%. In summary, the available evidence is currently insufficient to determine the role of this variant in disease. Therefore, it has been classified as a Variant of Uncertain Significance.

Ambry Genetics
Classification: Uncertain significance for Inborn genetic diseases. Last evaluated: 2024-07-31. Review status: criteria provided, single submitter. Criteria: Ambry Variant Classification Scheme 2023. Collection method: clinical testing. Allele origin: germline.

Natera, Inc.
Classification: Uncertain significance for Infantile malignant osteopetrosis. Last evaluated: 2020-04-15. Review status: no assertion criteria provided. Collection method: clinical testing. Allele origin: germline. Not counted in ClinVar's aggregate classification.

NM_006019.4(TCIRG1):c.97G>A (p.Gly33Ser)

Gene: TCIRG1 (T cell immune regulator 1, ATPase H+ transporting V0 subunit a3; plus strand). Cytogenetic location: 11q13.2.
Variant type: single nucleotide variant.
Coding change: c.97G>A on transcript NM_006019.4 (MANE Select); coding-DNA position 97, G replaced by A.
Protein change: p.Gly33Ser; replaces glycine 33 with serine.
Molecular consequence: missense variant. On other transcripts: 5 prime UTR variant (1).
Genome position (GRCh38, 1-based): chr11:68,041,368, G>A. VCF-style: chr11-68041368-G-A. GRCh37 (hg19) VCF-style: chr11-67808835-G-A.
Other names: c.-1153G>A (NM_001351059.2); c.97G>A (NM_006019.3); short protein forms G33S.
Identifiers: ClinVar variation 990510 (VCV000990510.7), dbSNP rs775576535, ClinGen allele CA6146636.